The following is an entry in ClinVar:

NM_025103.4(IFT74):c.1714T>G (p.Tyr572Asp)

Gene: IFT74 (intraflagellar transport 74; plus strand). Cytogenetic location: 9p21.2.
Variant type: single nucleotide variant.
Coding change: c.1714T>G on transcript NM_025103.4 (MANE Select); coding-DNA position 1714, T replaced by G.
Protein change: p.Tyr572Asp; replaces tyrosine 572 with aspartic acid.
Molecular consequence: missense variant. On other transcripts: 3 prime UTR variant (1).
Genome position (GRCh38, 1-based): chr9:27,062,647, T>G. VCF-style: chr9-27062647-T-G. GRCh37 (hg19) VCF-style: chr9-27062645-T-G.
Other names: c.1714T>G, p.Tyr572Asp (NM_001099223.3, NM_001099222.3); c.*650T>G (NM_001349928.2); short protein forms Y572D.
Identifiers: ClinVar variation 1917416 (VCV001917416.5), dbSNP rs1820478323, ClinGen allele CA373110007.

ClinVar aggregate classification (germline): Uncertain significance (1 of 4 stars; one submission).

Allele frequency attached by ClinVar (database versions not stated): gnomAD exomes 0.00001.
gnomAD v4.1: 7 of 1,608,468 alleles (0.00044%); highest among the groups gnomAD compares: East Asian, 0.016%; no homozygotes.

Submission:

Labcorp Genetics (formerly Invitae), Labcorp
Classification: Uncertain significance. Last evaluated: 2022-02-27. Review status: criteria provided, single submitter. Criteria: Invitae Variant Classification Sherloc (09022015). Collection method: clinical testing. Allele origin: germline.
Comment: In summary, the available evidence is currently insufficient to determine the role of this variant in disease. Therefore, it has been classified as a Variant of Uncertain Significance. Algorithms developed to predict the effect of missense changes on protein structure and function (SIFT, PolyPhen-2, Align-GVGD) all suggest that this variant is likely to be disruptive. This variant has not been reported in the literature in individuals affected with IFT74-related conditions. This variant is not present in population databases (gnomAD no frequency). This sequence change replaces tyrosine, which is neutral and polar, with aspartic acid, which is acidic and polar, at codon 572 of the IFT74 protein (p.Tyr572Asp).